The following is an entry in ClinVar:

ClinVar aggregate classification (germline): Pathogenic (1 of 4 stars; one submission).

Conditions:
Hereditary cancer-predisposing syndrome. Also called: Neoplastic Syndromes, Hereditary; Tumor predisposition; Hereditary Cancer Syndrome; Hereditary neoplastic syndrome. Identifiers: Orphanet 140162, MedGen C0027672, MeSH D009386, MONDO:0015356.

Submission:

Ambry Genetics
Classification: Pathogenic for Hereditary cancer-predisposing syndrome. Last evaluated: 2021-02-24. Review status: criteria provided, single submitter. Criteria: Ambry Variant Classification Scheme 2023. Collection method: clinical testing. Allele origin: germline.
Comment: The p.K122* pathogenic mutation (also known as c.364A>T), located in coding exon 4 of the SDHD gene, results from an A to T substitution at nucleotide position 364. This changes the amino acid from a lysine to a stop codon within coding exon 4. This alteration occurs at the 3' terminus of SDHD gene, is not expected to trigger nonsense-mediated mRNA decay, and only impacts the last 38 amino acids of the protein. However, premature stop codons are typically deleterious in nature and the impacted region is critical for protein function (Ambry internal data). Based on the supporting evidence, this alteration is interpreted as a disease-causing mutation.

NM_003002.4(SDHD):c.364A>T (p.Lys122Ter)

Gene: SDHD (succinate dehydrogenase complex subunit D; plus strand). Cytogenetic location: 11q23.1.
Variant type: single nucleotide variant.
Coding change: c.364A>T on transcript NM_003002.4 (MANE Select); coding-DNA position 364, A replaced by T.
Protein change: p.Lys122Ter; replaces lysine 122 with a stop codon.
Molecular consequence: nonsense. On other transcripts: missense variant (1), 3 prime UTR variant (1), non-coding transcript variant (1).
Genome position (GRCh38, 1-based): chr11:112,094,854, A>T. VCF-style: chr11-112094854-A-T. GRCh37 (hg19) VCF-style: chr11-111965578-A-T.
Other names: c.219A>T, p.Arg73Ser (NM_001276503.2); c.247A>T, p.Lys83Ter (NM_001276504.2); c.*62A>T (NM_001276506.2); short protein forms K122*, R73S, K83*.
Identifiers: ClinVar variation 1733584 (VCV001733584.2), dbSNP rs2498917388, ClinGen allele CA382618993.